The following is an entry in ClinVar:

ClinVar aggregate classification (germline): Uncertain significance (1 of 4 stars; one submission).

Submission:

Labcorp Genetics (formerly Invitae), Labcorp
Classification: Uncertain significance. Last evaluated: 2023-04-26. Review status: criteria provided, single submitter. Criteria: Invitae Variant Classification Sherloc (09022015). Collection method: clinical testing. Allele origin: germline.
Comment: This variant is not present in population databases (gnomAD no frequency). In summary, the available evidence is currently insufficient to determine the role of this variant in disease. Therefore, it has been classified as a Variant of Uncertain Significance. Algorithms developed to predict the effect of sequence changes on RNA splicing suggest that this variant may disrupt the consensus splice site. This variant has not been reported in the literature in individuals affected with CEP89-related conditions. This sequence change falls in intron 15 of the CEP89 gene. It does not directly change the encoded amino acid sequence of the CEP89 protein.

NM_032816.5(CEP89):c.1734-13G>A

Gene: CEP89 (centrosomal protein 89; minus strand). Cytogenetic location: 19q13.11.
Variant type: single nucleotide variant.
Coding change: c.1734-13G>A on transcript NM_032816.5 (MANE Select); 13 bases into the intron before coding-DNA position 1734, G replaced by A.
Molecular consequence: intron variant.
Genome position (GRCh38, 1-based): chr19:32,900,011, C>T on the plus strand (G>A on the coding strand, the complement: CEP89 is on the minus strand). VCF-style: chr19-32900011-C-T. GRCh37 (hg19) VCF-style: chr19-33390917-C-T.
Identifiers: ClinVar variation 3010491 (VCV003010491.3), dbSNP rs2513656144, ClinGen allele CA2568712971.
Genomic context (GRCh38, chr19:32,900,011, plus strand): 5'-GCTTTTTCCACCTGCTTTTTGAGGACCTCAATTTTCTTTTGAGATTTCCTAGAGAGTTAC[C>T]CCAAATGGTAGAATAAAAAGCCCATTAGTTTACATGGCTAGGGCATGGTGAATATCTGTA-3'